The following is an entry in ClinVar:

ClinVar aggregate classification (germline): Uncertain significance (1 of 4 stars; one submission).

gnomAD v4.1: 2 of 1,551,836 alleles (0.00013%); no homozygotes.

Submission:

Labcorp Genetics (formerly Invitae), Labcorp
Classification: Uncertain significance. Last evaluated: 2025-12-16. Review status: criteria provided, single submitter. Criteria: Invitae Variant Classification Sherloc (09022015). Collection method: clinical testing. Allele origin: germline.
Comment: This sequence change replaces alanine, which is neutral and non-polar, with threonine, which is neutral and polar, at codon 1673 of the WDR87 protein (p.Ala1673Thr). This variant is not present in population databases (gnomAD no frequency). This variant has not been reported in the literature in individuals affected with WDR87-related conditions. An algorithm developed to predict the effect of missense changes on protein structure and function outputs the following: PolyPhen-2: "Probably Damaging". The threonine amino acid residue is found in multiple mammalian species, which suggests that this missense change does not adversely affect protein function. In summary, the available evidence is currently insufficient to determine the role of this variant in disease. Therefore, it has been classified as a Variant of Uncertain Significance.

NM_001291088.2(WDR87):c.5134G>A (p.Ala1712Thr)

Gene: WDR87 (WD repeat domain 87; minus strand). Cytogenetic location: 19q13.13.
Variant type: single nucleotide variant.
Coding change: c.5134G>A on transcript NM_001291088.2 (MANE Select); coding-DNA position 5134, G replaced by A.
Protein change: p.Ala1712Thr; replaces alanine 1712 with threonine.
Molecular consequence: missense variant.
Genome position (GRCh38, 1-based): chr19:37,888,537, C>T on the plus strand (G>A on the coding strand, the complement: WDR87 is on the minus strand). VCF-style: chr19-37888537-C-T. GRCh37 (hg19) VCF-style: chr19-38379177-C-T.
Other names: c.5017G>A, p.Ala1673Thr (NM_031951.5); short protein forms A1712T, A1673T.
Identifiers: ClinVar variation 4767317 (VCV004767317.1).
Genomic context (GRCh38, chr19:37,888,537, plus strand): 5'-ATATGTTTTTCACCTCAGCCAGTTTCCCTCCTTTCTTTGCTAGTTTCTCTTCTTCTCTAG[C>T]CACTTTCTCCCATTTCTTGGCCAGTTTCTTCCTTTTCTGGGCCAATTTCTCCGCCTCCTG-3'
Protein context (NP_001278017.1, residues 1702-1722): KKLAKKWEKV[Ala1712Thr]REEEKLAKKG